The following is an entry in ClinVar:

NM_001609.4(ACADSB):c.454A>T (p.Lys152Ter)

Gene: ACADSB (acyl-CoA dehydrogenase short/branched chain; plus strand). Cytogenetic location: 10q26.13.
Variant type: single nucleotide variant.
Coding change: c.454A>T on transcript NM_001609.4 (MANE Select); coding-DNA position 454, A replaced by T.
Protein change: p.Lys152Ter; replaces lysine 152 with a stop codon.
Molecular consequence: nonsense.
Genome position (GRCh38, 1-based): chr10:123,040,616, A>T. VCF-style: chr10-123040616-A-T. GRCh37 (hg19) VCF-style: chr10-124800132-A-T.
Other names: c.148A>T, p.Lys50Ter (NM_001330174.3); short protein forms K152*, K50*.
Identifiers: ClinVar variation 4814191 (VCV004814191.1).

ClinVar aggregate classification (germline): Pathogenic (1 of 4 stars; one submission).

Conditions:
Deficiency of 2-methylbutyryl-CoA dehydrogenase (ACADSB). Also called: 2-methylbutyrylglycinuria; 2-methylbutyryl-CoA dehydrogenase deficiency; SBCAD deficiency; 2-methylbutyric aciduria; Short branched-chain acyl-CoA dehydrogenase deficiency. Identifiers: Orphanet 79157, MedGen C1864912, MONDO:0012392, OMIM 610006, HP:0020147.

gnomAD v4.1: 1 of 1,614,038 alleles (0.000062%); highest among the groups gnomAD compares: Non-Finnish European, 0.000085%; no homozygotes.

Submission:

Rady Children's Institute for Genomic Medicine, Rady Children's Hospital San Diego
Classification: Pathogenic for 2-methylbutyryl-CoA dehydrogenase deficiency. Last evaluated: 2024-11-06. Review status: criteria provided, single submitter. Criteria: ACMG Guidelines, 2015. Collection method: clinical testing. Allele origin: germline. Affected: yes.
Comment: This nonsense variant found in exon 4 of 11 is predicted to result in loss of normal protein function through either protein truncation or nonsense-mediated mRNA decay. Loss-of-function variation in ACADSB is an established mechanism of disease (PMID: 20547083). This variant has been previously reported as a compound heterozygous change in a patient with 2-methylbutyrylglycinuria (PMID: 26284228). The c.454A>T (p.Lys152Ter) variant is present in the latest version of the gnomAD population database at an allele frequency of 0.0001% (1/1614038), and is absent in the homozygous state, thus is presumed to be rare. Based on the available evidence, c.454A>T (p.Lys152Ter) is classified as Pathogenic.

Literature cited by the submitters: PubMed 20547083.